The following is an entry in ClinVar:

NM_014053.4(FLVCR1):c.738+9T>C

Gene: FLVCR1 (FLVCR choline and heme transporter 1; plus strand). Cytogenetic location: 1q32.3.
Variant type: single nucleotide variant.
Coding change: c.738+9T>C on transcript NM_014053.4 (MANE Select); 9 bases into the intron after coding-DNA position 738, T replaced by C.
Molecular consequence: intron variant.
Genome position (GRCh38, 1-based): chr1:212,859,199, T>C. VCF-style: chr1-212859199-T-C. GRCh37 (hg19) VCF-style: chr1-213032541-T-C.
Identifiers: ClinVar variation 295317 (VCV000295317.23), dbSNP rs41296696, ClinGen allele CA1385937.

ClinVar aggregate classification (germline): Conflicting classifications of pathogenicity. Review status: criteria provided, conflicting classifications (1 of 4 stars). 8 submissions from 8 submitters: Uncertain significance (1); Benign (2); Likely benign (2). 3 of the submissions do not count toward it. Last evaluated 2026-02-01.

Conditions:
Posterior column ataxia-retinitis pigmentosa syndrome (RETSNS). Also called: RETINOPATHY-SENSORY NEUROPATHY SYNDROME. Identifiers: Orphanet 88628, MedGen C1836916, MONDO:0012177, OMIM 609033.
FLVCR1-related disorder. Also called: FLVCR1-related condition.

Allele frequency attached by ClinVar (database versions not stated): gnomAD exomes 0.00019 and 0.00045; ExAC 0.00038; 1000 Genomes Project 0.00060; 1000 Genomes Project 30x 0.00078; ESP Exome Variant Server 0.00092; gnomAD 0.00125 and 0.00133; TOPMed 0.00149.
gnomAD v4.1: 492 of 1,613,932 alleles (0.03%); highest among the groups gnomAD compares: African/African-American, 0.34%; 2 homozygotes.

Submissions (8):

Labcorp Genetics (formerly Invitae), Labcorp
Classification: Benign. Last evaluated: 2026-02-01. Review status: criteria provided, single submitter. Criteria: Invitae Variant Classification Sherloc (09022015). Collection method: clinical testing. Allele origin: germline.

Women's Health and Genetics/Laboratory Corporation of America, LabCorp
Classification: Likely benign. Last evaluated: 2025-09-08. Review status: criteria provided, single submitter. Criteria: LabCorp Variant Classification Summary - May 2015. Collection method: clinical testing. Allele origin: germline.

Blueprint Genetics
Classification: Likely benign. Last evaluated: 2024-10-24. Review status: criteria provided, single submitter. Criteria: ACMG Guidelines, 2015. Collection method: clinical testing. Allele origin: germline.

Athena Diagnostics
Classification: Benign. Last evaluated: 2018-12-28. Review status: criteria provided, single submitter. Criteria: Athena Diagnostics Criteria. Collection method: clinical testing. Allele origin: germline.

Illumina Laboratory Services, Illumina
Classification: Uncertain significance for Posterior column ataxia-retinitis pigmentosa syndrome. Last evaluated: 2018-01-13. Review status: criteria provided, single submitter. Criteria: ICSL Variant Classification Criteria 13 December 2019. Collection method: clinical testing. Allele origin: germline.

PreventionGenetics, part of Exact Sciences
Classification: Likely benign for FLVCR1-related condition. Last evaluated: 2019-09-11. Review status: no assertion criteria provided. Collection method: clinical testing. Allele origin: germline. Not counted in ClinVar's aggregate classification.
Comment: This variant is classified as likely benign based on ACMG/AMP sequence variant interpretation guidelines (Richards et al. 2015 PMID: 25741868, with internal and published modifications).

Clinical Genetics DNA and cytogenetics Diagnostics Lab, Erasmus MC, Erasmus Medical Center
Classification: Likely benign. Review status: no assertion criteria provided. Collection method: clinical testing. Allele origin: germline. Affected: yes. Study: VKGL Data-share Consensus. Not counted in ClinVar's aggregate classification.

Clinical Genetics, Academic Medical Center
Classification: Benign. Review status: no assertion criteria provided. Collection method: clinical testing. Allele origin: germline. Affected: yes. Study: VKGL Data-share Consensus. Not counted in ClinVar's aggregate classification.